The following is an entry in ClinVar:

NM_000037.4(ANK1):c.498C>G (p.Tyr166Ter)

Genes: ANK1 (ankyrin 1; minus strand), LOC124153154 (Sharpr-MPRA regulatory region 1462; plus strand). Cytogenetic location: 8p11.21.
Variant type: single nucleotide variant.
Coding change: c.498C>G on transcript NM_000037.4 (MANE Select); coding-DNA position 498, C replaced by G.
Protein change: p.Tyr166Ter; replaces tyrosine 166 with a stop codon.
Molecular consequence: nonsense.
Genome position (GRCh38, 1-based): chr8:41,725,875, G>C on the plus strand (C>G on the coding strand, the complement: ANK1 is on the minus strand). VCF-style: chr8-41725875-G-C. GRCh37 (hg19) VCF-style: chr8-41583393-G-C.
Other names: c.597C>G, p.Tyr199Ter (NM_001142446.2); c.498C>G, p.Tyr166Ter (NM_020475.3, NM_020476.3, NM_020477.3); short protein forms Y166*, Y199*.
Identifiers: ClinVar variation 3052183 (VCV003052183.2), dbSNP rs141844800, ClinGen allele CA371044683.

ClinVar aggregate classification (germline): Pathogenic (0 of 4 stars; one submission).

Conditions:
ANK1-related disorder. Also called: ANK1-related condition.

Submission:

PreventionGenetics, part of Exact Sciences
Classification: Pathogenic for ANK1-related condition. Last evaluated: 2023-12-01. Review status: no assertion criteria provided. Collection method: clinical testing. Allele origin: germline.
Comment: The ANK1 c.498C>G variant is predicted to result in premature protein termination (p.Tyr166*). This variant was reported in an individual with autosomal dominant spherocytosis (van Vuren et al 2019. PubMed ID: 31723846). This variant has not been reported in a large population database, indicating this variant is rare. Nonsense variants in ANK1 are expected to be pathogenic. This variant is interpreted as pathogenic.